The following is an entry in ClinVar:

ClinVar aggregate classification (germline): Benign/Likely benign. Review status: criteria provided, multiple submitters, no conflicts (2 of 4 stars). 11 submissions from 10 submitters: Benign (9); Likely benign (1). 1 of the submissions does not count toward it. Last evaluated 2026-02-03.

Conditions:
Familial cutaneous telangiectasia and oropharyngeal predisposition cancer syndrome. Identifiers: Orphanet 313846, MedGen C3281203, MONDO:0013806, OMIM 614564.
Seckel syndrome 1 (SCKL1). Also called: MICROCEPHALIC PRIMORDIAL DWARFISM I. Identifiers: Orphanet 808, MedGen C4551474, MONDO:0008869, OMIM 210600.

Allele frequency attached by ClinVar (database versions not stated): gnomAD exomes 0.00124 and 0.00327; ExAC 0.00388; gnomAD 0.01183 and 0.01275; 1000 Genomes Project 0.01258; ESP Exome Variant Server 0.01353; TOPMed 0.01413; 1000 Genomes Project 30x 0.01437.
gnomAD v4.1: 3,661 of 1,612,710 alleles (0.23%); highest among the groups gnomAD compares: African/African-American, 4.2%; 65 homozygotes.

Submissions (22):

Labcorp Genetics (formerly Invitae), Labcorp
Classification: Benign. Last evaluated: 2026-02-03. Review status: criteria provided, single submitter. Criteria: Invitae Variant Classification Sherloc (09022015). Collection method: clinical testing. Allele origin: germline.

CeGaT Center for Human Genetics Tuebingen
Classification: Benign. Last evaluated: 2025-10-01. Review status: criteria provided, single submitter. Criteria: CeGaT Center For Human Genetics Tuebingen Variant Classification Criteria Version 2. Collection method: clinical testing. Allele origin: germline. Affected: yes. Observed: 1 variant allele.
Comment: ATR: BP4, BS1, BS2

Blueprint Genetics
Classification: Likely benign. Last evaluated: 2024-11-26. Review status: criteria provided, single submitter. Criteria: ACMG Guidelines, 2015. Collection method: clinical testing. Allele origin: germline.

KCCC/NGS Laboratory, Kuwait Cancer Control Center
Classification: Benign for Familial cutaneous telangiectasia and oropharyngeal predisposition cancer syndrome. Last evaluated: 2023-07-07. Review status: criteria provided, single submitter. Criteria: ACMG Guidelines, 2015. Collection method: clinical testing. Allele origin: germline. Affected: yes.

Genome-Nilou Lab
Classification: Benign for Seckel syndrome 1. Last evaluated: 2023-02-08. Review status: criteria provided, single submitter. Criteria: ACMG Guidelines, 2015. Collection method: clinical testing. Allele origin: germline.

Genome-Nilou Lab
Classification: Benign for Familial cutaneous telangiectasia and oropharyngeal predisposition cancer syndrome. Last evaluated: 2023-02-08. Review status: criteria provided, single submitter. Criteria: ACMG Guidelines, 2015. Collection method: clinical testing. Allele origin: germline.

Illumina Laboratory Services, Illumina
Classification: Benign for Seckel syndrome 1. Last evaluated: 2018-01-12. Review status: criteria provided, single submitter. Criteria: ICSL Variant Classification Criteria 13 December 2019. Collection method: clinical testing. Allele origin: germline.
Comment: This variant was observed in the ICSL laboratory as part of a predisposition screen in an ostensibly healthy population. It had not been previously curated by ICSL or reported in the Human Gene Mutation Database (HGMD: prior to June 1st, 2018), and was therefore a candidate for classification through an automated scoring system. Utilizing variant allele frequency, disease prevalence and penetrance estimates, and inheritance mode, an automated score was calculated to assess if this variant is too frequent to cause the disease. Based on the score and internal cut-off values, a variant classified as benign is not then subjected to further curation. The score for this variant resulted in a classification of benign for this disease.

Center for Pediatric Genomic Medicine, Children's Mercy Hospital and Clinics
Classification: Benign. Last evaluated: 2017-02-27. Review status: criteria provided, single submitter. Criteria: ACMG Guidelines, 2015. Collection method: clinical testing. Allele origin: germline.

GeneDx
Classification: Benign. Last evaluated: 2015-05-04. Review status: criteria provided, single submitter. Criteria: GeneDx Variant Classification (06012015). Collection method: clinical testing. Allele origin: germline. Affected: yes.
Comment: This variant is considered likely benign or benign based on one or more of the following criteria: it is a conservative change, it occurs at a poorly conserved position in the protein, it is predicted to be benign by multiple in silico algorithms, and/or has population frequency not consistent with disease.

Breakthrough Genomics
Classification: Benign. Review status: criteria provided, single submitter. Criteria: ACMG Guidelines, 2015. Collection method: not provided. Allele origin: germline. Inheritance: Autosomal recessive inheritance. Affected: yes.

Dr. Peter K. Rogan Lab, Western University
No classification provided (evidence only). Condition: Clear cell carcinoma of kidney. Review status: no classification provided. Collection method: in vitro. Allele origin: not applicable. Functional consequence: retained intron. Not counted in ClinVar's aggregate classification.

Dr. Peter K. Rogan Lab, Western University
No classification provided (evidence only). Condition: Clear cell carcinoma of kidney. Review status: no classification provided. Collection method: in vitro. Allele origin: not applicable. Functional consequence: retained intron. Not counted in ClinVar's aggregate classification.

Dr. Peter K. Rogan Lab, Western University
No classification provided (evidence only). Condition: Thyroid cancer, nonmedullary, 1. Review status: no classification provided. Collection method: in vitro. Allele origin: not applicable. Functional consequence: retained intron. Not counted in ClinVar's aggregate classification.

Dr. Peter K. Rogan Lab, Western University
No classification provided (evidence only). Condition: Uterine corpus endometrial carcinoma. Review status: no classification provided. Collection method: in vitro. Allele origin: not applicable. Functional consequence: retained intron. Not counted in ClinVar's aggregate classification.

Dr. Peter K. Rogan Lab, Western University
No classification provided (evidence only). Condition: Cervical cancer. Review status: no classification provided. Collection method: in vitro. Allele origin: not applicable. Functional consequence: retained intron. Not counted in ClinVar's aggregate classification.

Dr. Peter K. Rogan Lab, Western University
No classification provided (evidence only). Condition: Hepatocellular carcinoma. Review status: no classification provided. Collection method: in vitro. Allele origin: not applicable. Functional consequence: skipped exon. Not counted in ClinVar's aggregate classification.

Dr. Peter K. Rogan Lab, Western University
No classification provided (evidence only). Condition: Hepatocellular carcinoma. Review status: no classification provided. Collection method: in vitro. Allele origin: not applicable. Functional consequence: skipped exon. Not counted in ClinVar's aggregate classification.

Dr. Peter K. Rogan Lab, Western University
No classification provided (evidence only). Condition: Thymoma. Review status: no classification provided. Collection method: in vitro. Allele origin: not applicable. Functional consequence: retained intron. Not counted in ClinVar's aggregate classification.

Dr. Peter K. Rogan Lab, Western University
No classification provided (evidence only). Condition: Ovarian serous cystadenocarcinoma. Review status: no classification provided. Collection method: in vitro. Allele origin: not applicable. Functional consequence: retained intron. Not counted in ClinVar's aggregate classification.

Dr. Peter K. Rogan Lab, Western University
No classification provided (evidence only). Condition: Ovarian serous cystadenocarcinoma. Review status: no classification provided. Collection method: in vitro. Allele origin: not applicable. Functional consequence: retained intron. Not counted in ClinVar's aggregate classification.

Dr. Peter K. Rogan Lab, Western University
No classification provided (evidence only). Condition: Malignant tumor of esophagus. Review status: no classification provided. Collection method: in vitro. Allele origin: not applicable. Functional consequence: skipped exon. Not counted in ClinVar's aggregate classification.

Genetic Services Laboratory, University of Chicago
Classification: Likely benign. Review status: no assertion criteria provided. Collection method: clinical testing. Allele origin: germline. Inheritance: Autosomal recessive inheritance. Not counted in ClinVar's aggregate classification.
Comment: Likely benign based on allele frequency in 1000 Genomes Project or ESP global frequency and its presence in a patient with a rare or unrelated disease phenotype. NOT Sanger confirmed

NM_001184.4(ATR):c.4835A>G (p.Asn1612Ser)

Gene: ATR (ATR checkpoint kinase; minus strand). Cytogenetic location: 3q23.
Variant type: single nucleotide variant.
Coding change: c.4835A>G on transcript NM_001184.4 (MANE Select); coding-DNA position 4835, A replaced by G.
Protein change: p.Asn1612Ser; replaces asparagine 1612 with serine.
Molecular consequence: missense variant.
Genome position (GRCh38, 1-based): chr3:142,512,277, T>C on the plus strand (A>G on the coding strand, the complement: ATR is on the minus strand). VCF-style: chr3-142512277-T-C. GRCh37 (hg19) VCF-style: chr3-142231119-T-C.
Other names: c.4643A>G, p.Asn1548Ser (NM_001354579.2); short protein forms N1612S, N1548S.
Identifiers: ClinVar variation 157989 (VCV000157989.31), dbSNP rs55894265, ClinGen allele CA171364.
Genomic context (GRCh38, chr3:142,512,277, plus strand): 5'-AGCTAAAAAAAAAAAAAAAAAAGAAACAGAAGTGATAACTCACCCATTGAGTCTACCTTA[T>C]TTCTGTTTGATTTGCTGTGTGGACATTTCTCAGCTTTCAGTGCCTGAAATTTGTGCCTTG-3'
Protein context (NP_001175.2, residues 1602-1622): EKCPHSKSNR[Asn1612Ser]KVDSMVSTVD